The following is an entry in ClinVar:

ClinVar aggregate classification (germline): Uncertain significance. Review status: criteria provided, multiple submitters, no conflicts (2 of 4 stars). 2 submissions from 2 submitters: Uncertain significance (2). Last evaluated 2022-06-07.

Conditions:
Erythrocytosis, familial, 3 (ECYT3). Identifiers: Orphanet 247511, MedGen C1853286, MONDO:0012353, OMIM 609820.

Submissions (2):

Ambry Genetics
Classification: Uncertain significance. Last evaluated: 2022-06-07. Review status: criteria provided, single submitter. Criteria: Ambry Variant Classification Scheme 2023. Collection method: clinical testing. Allele origin: germline.
Comment: The p.R152C variant (also known as c.454C>T), located in coding exon 1 of the EGLN1 gene, results from a C to T substitution at nucleotide position 454. The arginine at codon 152 is replaced by cysteine, an amino acid with highly dissimilar properties. This amino acid position is conserved. In addition, this alteration is predicted to be tolerated by in silico analysis. Since supporting evidence is limited at this time, the clinical significance of this alteration remains unclear.

Labcorp Genetics (formerly Invitae), Labcorp
Classification: Uncertain significance for Erythrocytosis, familial, 3. Last evaluated: 2022-03-28. Review status: criteria provided, single submitter. Criteria: Invitae Variant Classification Sherloc (09022015). Collection method: clinical testing. Allele origin: germline.
Comment: This sequence change replaces arginine, which is basic and polar, with cysteine, which is neutral and slightly polar, at codon 152 of the EGLN1 protein (p.Arg152Cys). This variant is not present in population databases (gnomAD no frequency). In summary, the available evidence is currently insufficient to determine the role of this variant in disease. Therefore, it has been classified as a Variant of Uncertain Significance. Algorithms developed to predict the effect of missense changes on protein structure and function (SIFT, PolyPhen-2, Align-GVGD) all suggest that this variant is likely to be tolerated. This variant has not been reported in the literature in individuals affected with EGLN1-related conditions.

NM_022051.3(EGLN1):c.454C>T (p.Arg152Cys)

Gene: EGLN1 (egl-9 family hypoxia inducible factor 1; minus strand). Cytogenetic location: 1q42.2.
Variant type: single nucleotide variant.
Coding change: c.454C>T on transcript NM_022051.3 (MANE Select); coding-DNA position 454, C replaced by T.
Protein change: p.Arg152Cys; replaces arginine 152 with cysteine.
Molecular consequence: missense variant.
Genome position (GRCh38, 1-based): chr1:231,421,435, G>A on the plus strand (C>T on the coding strand, the complement: EGLN1 is on the minus strand). VCF-style: chr1-231421435-G-A. GRCh37 (hg19) VCF-style: chr1-231557181-G-A.
Other names: c.454C>T, p.Arg152Cys (NM_001377260.1, NM_001377261.1); short protein forms R152C.
Identifiers: ClinVar variation 1741416 (VCV001741416.7), dbSNP rs1200860908, ClinGen allele CA345236917.
Genomic context (GRCh38, chr1:231,421,435, plus strand): 5'-CATCCCCGGGCGTGTTGCTTGGGGGGTACAGGTTCGCCTTCTCCTGGAACAGCGATGAGC[G>A]GGCCGGCGGCTCCTCCTTGCCGGGCTCGGCTTCGGCAGCCACCGCCGAGCCCTGGCCGCC-3'
Protein context (NP_071334.1, residues 142-162): AEPGKEEPPA[Arg152Cys]SSLFQEKANL